The following is an entry in ClinVar:

ClinVar aggregate classification (germline): Likely pathogenic. Review status: criteria provided, single submitter (1 of 4 stars). 2 submissions from 2 submitters: Likely pathogenic (1). 1 of the submissions does not count toward it. Last evaluated 2026-01-26.

Conditions:
Autosomal recessive nonsyndromic hearing loss 18B. Also called: Deafness, autosomal recessive 18b. Identifiers: Orphanet 90636, MedGen C3554163, MONDO:0013985, OMIM 614945.

gnomAD v4.1: 17 of 1,550,626 alleles (0.0011%); highest among the groups gnomAD compares: East Asian, 0.0098%; no homozygotes.

Submissions (2):

Medical and Scientific Branch, Hong Kong Genome Institute
Classification: Likely pathogenic for Autosomal recessive nonsyndromic hearing loss 18B. Last evaluated: 2026-01-26. Review status: criteria provided, single submitter. Criteria: ACMG Guidelines, 2015. Collection method: clinical testing. Allele origin: paternal. Affected: yes.

Diagnostics Centre, Carl Von Ossietzky University Oldenburg
Classification: Likely pathogenic for Autosomal recessive nonsyndromic hearing loss 18B. Last evaluated: 2025-08-18. Review status: no assertion criteria provided. Collection method: clinical testing. Allele origin: germline. Affected: yes. Observed: 1 variant allele. Not counted in ClinVar's aggregate classification.
Comment: The variant OTOG:c.1903C>T p.(Arg623Ter), located in the exon 16 of the OTOG gene results from a cytosine-to-thymine substitution at nucleotide position c.1903. The arginine residue at protein position 623 is replaced by a premature stop codon. The variant affects an exon [16/55] present in a biologically relevant transcript and is predicted to cause protein truncation/absent due to nonsense mediated decay, in a gene where loss-of-function is a known mechanism of disease. The variant was detected with another Likely pathogenic variant in the same gene. However, it was not confirmed to be in trans. The variant has not yet been described in ClinVar or in any publications known to us. The variant is classified as rare in the general population (MAF 1.1 * e-5 in gnomAD). In summary, this variant is classified as Likely pathogenic.

NM_001292063.2(OTOG):c.1867C>T (p.Arg623Ter)

Gene: OTOG (otogelin; plus strand). Cytogenetic location: 11p15.1.
Variant type: single nucleotide variant.
Coding change: c.1867C>T on transcript NM_001292063.2 (MANE Select); coding-DNA position 1867, C replaced by T.
Protein change: p.Arg623Ter; replaces arginine 623 with a stop codon.
Molecular consequence: nonsense.
Genome position (GRCh38, 1-based): chr11:17,570,302, C>T. VCF-style: chr11-17570302-C-T. GRCh37 (hg19) VCF-style: chr11-17591849-C-T.
Other names: c.1903C>T, p.Arg635Ter (NM_001277269.2); short protein forms R623*, R635*.
Identifiers: ClinVar variation 4755511 (VCV004755511.2), dbSNP rs370219387.